The following is an entry in ClinVar:

NM_173602.3(DIP2B):c.2041A>G (p.Ile681Val)

Gene: DIP2B (disco interacting protein 2 homolog B; plus strand). Cytogenetic location: 12q13.12.
Variant type: single nucleotide variant.
Coding change: c.2041A>G on transcript NM_173602.3 (MANE Select); coding-DNA position 2041, A replaced by G.
Protein change: p.Ile681Val; replaces isoleucine 681 with valine.
Molecular consequence: missense variant.
Genome position (GRCh38, 1-based): chr12:50,697,168, A>G. VCF-style: chr12-50697168-A-G. GRCh37 (hg19) VCF-style: chr12-51090951-A-G.
Other names: short protein forms I681V.
Identifiers: ClinVar variation 3082436 (VCV003082436.3), dbSNP rs772446922, ClinGen allele CA6564700.

ClinVar aggregate classification (germline): Uncertain significance. Review status: criteria provided, multiple submitters, no conflicts (2 of 4 stars). 2 submissions from 2 submitters: Uncertain significance (2). Last evaluated 2024-11-29.

Allele frequency attached by ClinVar (database versions not stated): gnomAD exomes 0.00001; ExAC 0.00002; gnomAD 0.00003; TOPMed 0.00004.
gnomAD v4.1: 26 of 1,613,796 alleles (0.0016%); highest among the groups gnomAD compares: Admixed American, 0.015%; no homozygotes.

Submissions (2):

Women's Health and Genetics/Laboratory Corporation of America, LabCorp
Classification: Uncertain significance. Last evaluated: 2024-11-29. Review status: criteria provided, single submitter. Criteria: LabCorp Variant Classification Summary - May 2015. Collection method: clinical testing. Allele origin: germline.
Comment: Variant summary: DIP2B c.2041A>G (p.Ile681Val) results in a conservative amino acid change located in the Disco-interacting protein 2 (Dip2) domain (IPR037337) of the encoded protein sequence. Four of five in-silico tools predict a benign effect of the variant on protein function. The variant allele was found at a frequency of 1.6e-05 in 251064 control chromosomes. The available data on variant occurrences in the general population are insufficient to allow any conclusion about variant significance. To our knowledge, no occurrence of c.2041A>G in individuals affected with Intellectual Disability, FRA12A Type and no experimental evidence demonstrating its impact on protein function have been reported. ClinVar contains an entry for this variant (Variation ID: 3082436). Based on the evidence outlined above, the variant was classified as uncertain significance.

Ambry Genetics
Classification: Uncertain significance. Last evaluated: 2024-01-03. Review status: criteria provided, single submitter. Criteria: Ambry Variant Classification Scheme 2023. Collection method: clinical testing. Allele origin: germline.